The following is an entry in ClinVar:

NM_017999.5(RNF31):c.1501G>T (p.Ala501Ser)

Gene: RNF31 (ring finger protein 31; plus strand). Cytogenetic location: 14q12.
Variant type: single nucleotide variant.
Coding change: c.1501G>T on transcript NM_017999.5 (MANE Select); coding-DNA position 1501, G replaced by T.
Protein change: p.Ala501Ser; replaces alanine 501 with serine.
Molecular consequence: missense variant.
Genome position (GRCh38, 1-based): chr14:24,151,143, G>T. VCF-style: chr14-24151143-G-T. GRCh37 (hg19) VCF-style: chr14-24620352-G-T.
Other names: c.1048G>T, p.Ala350Ser (NM_001310332.2); short protein forms A350S, A501S.
Identifiers: ClinVar variation 1991659 (VCV001991659.4), dbSNP rs370934256, ClinGen allele CA7125810.

ClinVar aggregate classification (germline): Uncertain significance (1 of 4 stars; one submission).

Allele frequency attached by ClinVar (database versions not stated): TOPMed 0.00008; ESP Exome Variant Server 0.00016.
gnomAD v4.1: 28 of 1,613,830 alleles (0.0017%); highest among the groups gnomAD compares: African/African-American, 0.028%; no homozygotes.

Submission:

Labcorp Genetics (formerly Invitae), Labcorp
Classification: Uncertain significance. Last evaluated: 2022-09-19. Review status: criteria provided, single submitter. Criteria: Invitae Variant Classification Sherloc (09022015). Collection method: clinical testing. Allele origin: germline.
Comment: In summary, the available evidence is currently insufficient to determine the role of this variant in disease. Therefore, it has been classified as a Variant of Uncertain Significance. Algorithms developed to predict the effect of missense changes on protein structure and function output the following: SIFT: "Tolerated"; PolyPhen-2: "Benign"; Align-GVGD: "Class C0". The serine amino acid residue is found in multiple mammalian species, which suggests that this missense change does not adversely affect protein function. This variant has not been reported in the literature in individuals affected with RNF31-related conditions. This variant is present in population databases (rs370934256, gnomAD 0.03%). This sequence change replaces alanine, which is neutral and non-polar, with serine, which is neutral and polar, at codon 501 of the RNF31 protein (p.Ala501Ser).